The following is an entry in ClinVar:

NM_000525.4(KCNJ11):c.149G>C (p.Arg50Pro)

Gene: KCNJ11 (potassium inwardly rectifying channel subfamily J member 11; minus strand). Cytogenetic location: 11p15.1.
Variant type: single nucleotide variant.
Coding change: c.149G>C on transcript NM_000525.4 (MANE Select); coding-DNA position 149, G replaced by C.
Protein change: p.Arg50Pro; replaces arginine 50 with proline.
Molecular consequence: missense variant. On other transcripts: intron variant (3).
Genome position (GRCh38, 1-based): chr11:17,387,943, C>G on the plus strand (G>C on the coding strand, the complement: KCNJ11 is on the minus strand). VCF-style: chr11-17387943-C-G. GRCh37 (hg19) VCF-style: chr11-17409490-C-G.
Other names: c.-16-97G>C (NM_001166290.2, NM_001377297.1); c.-17+75G>C (NM_001377296.1); short protein forms R50P.
Identifiers: ClinVar variation 8670 (VCV000008670.6), dbSNP rs80356611, ClinGen allele CA340803.

ClinVar aggregate classification (germline): Pathogenic. Review status: criteria provided, single submitter (1 of 4 stars). 3 submissions from 3 submitters: Pathogenic (1). 2 of the submissions do not count toward it.

Conditions:
Diabetes mellitus, permanent neonatal 2. Also called: KCNJ11-Related Permanent Neonatal Diabetes Mellitus. Identifiers: MedGen C5394296, MONDO:0030087, OMIM 618856.
KCNJ11-related disorder. Also called: KCNJ11-related disorders; KCNJ11-related condition.
Permanent neonatal diabetes mellitus (PNDM). Identifiers: Orphanet 99885, MedGen C1833104, MONDO:0100164, MONDO:0011643. Disease mechanism: gain of function.

Submissions (3):

Rady Children's Institute for Genomic Medicine, Rady Children's Hospital San Diego
Classification: Pathogenic for KCNJ11-related disorders. Review status: criteria provided, single submitter. Criteria: ACMG Guidelines, 2015. Collection method: clinical testing. Allele origin: germline. Affected: yes.
Comment: This variant has been previously reported as a heterozygous change in patients with developmental delay, epilepsy, and permanent neonatal diabetes (DEND) and isolated permanent neonatal diabetes (PMID: 15580558, 25739471, 25678012, 27681997). The c.149G>C (p.Arg50Pro) variant is located in a mutational hotspot for pathogenic variations associated with neonatal diabetes (PMID: 16731833). Different amino acid changes at the same residue (p.Arg50Gln, p.Arg50Gly, and p.Arg50Trp) have been previously reported in individuals with permanent neonatal diabetes and transient neonatal diabetes (PMID: 17635943, 16609879, 22749773, 32893419, 31291970). Functional studies showed that the p.Arg50 residue lies in the ATP-binding site of the inwardly rectifying potassium channel K(ATP) and reduces ATP sensitivity and leads to an increase in the K(ATP) channel current (PMID: 16731833). The c.149G>C (p.Arg50Pro) variant is absent from the gnomAD population database and thus is presumed to be rare. The c.149G>C (p.Arg50Pro) variant affects a highly conserved amino acid; however, in silico tools used to predict the effect of this variant on protein function yield discordant results. Analysis of the parental samples was negative for the variant, indicating this variant likely occurred as a de novo event.Based on the available evidence, the c.149G>C (p.Arg50Pro) variant is classified as Pathogenic.

OMIM
Classification: Pathogenic for DIABETES MELLITUS, PERMANENT NEONATAL, 2. Last evaluated: 2005-01-01. Review status: no assertion criteria provided. Collection method: literature only. Allele origin: germline. Not counted in ClinVar's aggregate classification.

GeneReviews
No classification provided. Condition: Permanent neonatal diabetes mellitus. Review status: no classification provided. Collection method: literature only. Allele origin: unknown. Not counted in ClinVar's aggregate classification.

Literature cited by the submitters: PubMed 15580558 (cited by OMIM and GeneReviews); PubMed 20301620 (cited by GeneReviews); NCBI Bookshelf NBK1447 (cited by GeneReviews).